The following is an entry in ClinVar:

NM_013266.4(CTNNA3):c.1979C>T (p.Ala660Val)

Gene: CTNNA3 (catenin alpha 3; minus strand). Cytogenetic location: 10q21.3.
Variant type: single nucleotide variant.
Coding change: c.1979C>T on transcript NM_013266.4 (MANE Select); coding-DNA position 1979, C replaced by T.
Protein change: p.Ala660Val; replaces alanine 660 with valine.
Molecular consequence: missense variant.
Genome position (GRCh38, 1-based): chr10:66,069,488, G>A on the plus strand (C>T on the coding strand, the complement: CTNNA3 is on the minus strand). VCF-style: chr10-66069488-G-A. GRCh37 (hg19) VCF-style: chr10-67829246-G-A.
Other names: c.1979C>T, p.Ala660Val (NM_001127384.3); short protein forms A660V.
Identifiers: ClinVar variation 409014 (VCV000409014.31), dbSNP rs778640435, ClinGen allele CA5519726.

ClinVar aggregate classification (germline): Conflicting classifications of pathogenicity. Review status: criteria provided, conflicting classifications (1 of 4 stars). 7 submissions from 7 submitters: Uncertain significance (4); Likely benign (1). 2 of the submissions do not count toward it. Last evaluated 2025-12-24.

Conditions:
Arrhythmogenic right ventricular dysplasia 13. Also called: ARRHYTHMOGENIC RIGHT VENTRICULAR CARDIOMYOPATHY 13; Arrhythmogenic right ventricular dysplasia, familial, 13. Identifiers: MedGen C3810138, MONDO:0000908, OMIM 615616.

Allele frequency attached by ClinVar (database versions not stated): TOPMed 0.00003; gnomAD exomes 0.00006 and 0.00007; ExAC 0.00007; gnomAD 0.00008 and 0.00009.
gnomAD v4.1: 113 of 1,602,130 alleles (0.0071%); highest among the groups gnomAD compares: Non-Finnish European, 0.0094%; no homozygotes.

Submissions (7):

Labcorp Genetics (formerly Invitae), Labcorp
Classification: Uncertain significance for Arrhythmogenic right ventricular dysplasia 13. Last evaluated: 2025-12-24. Review status: criteria provided, single submitter. Criteria: Invitae Variant Classification Sherloc (09022015). Collection method: clinical testing. Allele origin: germline.
Comment: This sequence change replaces alanine, which is neutral and non-polar, with valine, which is neutral and non-polar, at codon 660 of the CTNNA3 protein (p.Ala660Val). This variant is present in population databases (rs778640435, gnomAD 0.02%). This variant has not been reported in the literature in individuals affected with CTNNA3-related conditions. ClinVar contains an entry for this variant (Variation ID: 409014). Experimental studies and prediction algorithms are not available or were not evaluated, and the functional significance of this variant is currently unknown. In summary, the available evidence is currently insufficient to determine the role of this variant in disease. Therefore, it has been classified as a Variant of Uncertain Significance.

Ambry Genetics
Classification: Uncertain significance. Last evaluated: 2025-04-13. Review status: criteria provided, single submitter. Criteria: Ambry Variant Classification Scheme 2023. Collection method: clinical testing. Allele origin: germline.

Blueprint Genetics
Classification: Likely benign. Last evaluated: 2024-11-27. Review status: criteria provided, single submitter. Criteria: ACMG Guidelines, 2015. Collection method: clinical testing. Allele origin: germline.

CeGaT Center for Human Genetics Tuebingen
Classification: Uncertain significance. Last evaluated: 2024-09-01. Review status: criteria provided, single submitter. Criteria: CeGaT Center For Human Genetics Tuebingen Variant Classification Criteria Version 2. Collection method: clinical testing. Allele origin: germline. Affected: yes. Observed: 1 variant allele.

Fulgent Genetics
Classification: Uncertain significance for Arrhythmogenic right ventricular dysplasia 13. Last evaluated: 2022-03-16. Review status: criteria provided, single submitter. Criteria: ACMG Guidelines, 2015. Collection method: clinical testing. Allele origin: unknown.

Clinical Genetics DNA and cytogenetics Diagnostics Lab, Erasmus MC, Erasmus Medical Center
Classification: Uncertain significance. Review status: no assertion criteria provided. Collection method: clinical testing. Allele origin: germline. Affected: yes. Study: VKGL Data-share Consensus. Not counted in ClinVar's aggregate classification.

Clinical Genetics, Academic Medical Center
Classification: Uncertain significance. Review status: no assertion criteria provided. Collection method: clinical testing. Allele origin: germline. Affected: yes. Study: VKGL Data-share Consensus. Not counted in ClinVar's aggregate classification.